The following is an entry in ClinVar:

ClinVar aggregate classification (germline): Conflicting classifications of pathogenicity. Review status: criteria provided, conflicting classifications (1 of 4 stars). 3 submissions from 3 submitters: Uncertain significance (1); Likely benign (1). 1 of the submissions does not count toward it. Last evaluated 2025-06-11.

Conditions:
Inborn genetic diseases. Identifiers: MedGen C0950123, MeSH D030342.
Ghosal hematodiaphyseal dysplasia. Also called: Ghosal hematodiaphyseal syndrome. Identifiers: Orphanet 1802, MedGen C1856465, MONDO:0009274, OMIM 231095.

Allele frequency attached by ClinVar (database versions not stated): gnomAD exomes 0.00002; ExAC 0.00005.
gnomAD v4.1: 36 of 1,614,118 alleles (0.0022%); highest among the groups gnomAD compares: Non-Finnish European, 0.0029%; no homozygotes.

Submissions (3):

GeneDx
Classification: Uncertain significance. Last evaluated: 2025-06-11. Review status: criteria provided, single submitter. Criteria: GeneDx Variant Classification Process June 2021. Collection method: clinical testing. Allele origin: germline. Affected: yes.
Comment: In silico analysis suggests that this missense variant does not alter protein structure/function; Has not been previously published as pathogenic or benign to our knowledge

Ambry Genetics
Classification: Likely benign for Inborn genetic diseases. Last evaluated: 2024-01-22. Review status: criteria provided, single submitter. Criteria: Ambry Variant Classification Scheme 2023. Collection method: clinical testing. Allele origin: germline.

Zotz-Klimas Genetics Lab, MVZ Zotz Klimas
Classification: Uncertain significance for Ghosal hematodiaphyseal dysplasia. Last evaluated: 2023-11-24. Review status: no assertion criteria provided. Collection method: clinical testing. Allele origin: germline. Affected: yes. Not counted in ClinVar's aggregate classification.

NM_001061.7(TBXAS1):c.201A>C (p.Gln67His)

Gene: TBXAS1 (thromboxane A synthase 1; plus strand). Cytogenetic location: 7q34.
Variant type: single nucleotide variant.
Coding change: c.201A>C on transcript NM_001061.7 (MANE Select); coding-DNA position 201, A replaced by C.
Protein change: p.Gln67His; replaces glutamine 67 with histidine.
Molecular consequence: missense variant. On other transcripts: 5 prime UTR variant (1).
Genome position (GRCh38, 1-based): chr7:139,875,602, A>C. VCF-style: chr7-139875602-A-C. GRCh37 (hg19) VCF-style: chr7-139575401-A-C.
Other names: c.201A>C, p.Gln67His (NM_001130966.5, NM_001166253.4, NM_001366538.2 and 1 more transcripts); c.-1A>C (NM_001166254.4); c.115A>C, p.Asn39His (NM_001314028.4, NM_001366537.3); c.204A>C (NM_001061.4); short protein forms N39H, Q67H, Q68H.
Identifiers: ClinVar variation 2664045 (VCV002664045.3), dbSNP rs762628361, ClinGen allele CA4511503.